The following is an entry in ClinVar:

NM_032833.5(PPP1R15B):c.845G>C (p.Cys282Ser)

Gene: PPP1R15B (protein phosphatase 1 regulatory subunit 15B; minus strand). Cytogenetic location: 1q32.1.
Variant type: single nucleotide variant.
Coding change: c.845G>C on transcript NM_032833.5 (MANE Select); coding-DNA position 845, G replaced by C.
Protein change: p.Cys282Ser; replaces cysteine 282 with serine.
Molecular consequence: missense variant.
Genome position (GRCh38, 1-based): chr1:204,410,567, C>G on the plus strand (G>C on the coding strand, the complement: PPP1R15B is on the minus strand). VCF-style: chr1-204410567-C-G. GRCh37 (hg19) VCF-style: chr1-204379695-C-G.
Other names: short protein forms C282S.
Identifiers: ClinVar variation 2179866 (VCV002179866.4), dbSNP rs746677531, ClinGen allele CA1346736.

ClinVar aggregate classification (germline): Uncertain significance (1 of 4 stars; one submission).

Allele frequency attached by ClinVar (database versions not stated): gnomAD exomes 0.00001; ExAC 0.00003.
gnomAD v4.1: 12 of 1,613,752 alleles (0.00074%); highest among the groups gnomAD compares: Admixed American, 0.01%; no homozygotes.

Submission:

Labcorp Genetics (formerly Invitae), Labcorp
Classification: Uncertain significance. Last evaluated: 2024-03-11. Review status: criteria provided, single submitter. Criteria: Invitae Variant Classification Sherloc (09022015). Collection method: clinical testing. Allele origin: germline.
Comment: This sequence change replaces cysteine, which is neutral and slightly polar, with serine, which is neutral and polar, at codon 282 of the PPP1R15B protein (p.Cys282Ser). This variant is present in population databases (rs746677531, gnomAD 0.01%). This variant has not been reported in the literature in individuals affected with PPP1R15B-related conditions. ClinVar contains an entry for this variant (Variation ID: 2179866). Advanced modeling of protein sequence and biophysical properties (such as structural, functional, and spatial information, amino acid conservation, physicochemical variation, residue mobility, and thermodynamic stability) has been performed at Invitae for this missense variant, however the output from this modeling did not meet the statistical confidence thresholds required to predict the impact of this variant on PPP1R15B protein function. In summary, the available evidence is currently insufficient to determine the role of this variant in disease. Therefore, it has been classified as a Variant of Uncertain Significance.